The following is an entry in ClinVar:

NM_152490.5(B3GALNT2):c.752G>C (p.Arg251Thr)

Gene: B3GALNT2 (beta-1,3-N-acetylgalactosaminyltransferase 2; minus strand). Cytogenetic location: 1q42.3.
Variant type: single nucleotide variant.
Coding change: c.752G>C on transcript NM_152490.5 (MANE Select); coding-DNA position 752, G replaced by C.
Protein change: p.Arg251Thr; replaces arginine 251 with threonine.
Molecular consequence: missense variant.
Genome position (GRCh38, 1-based): chr1:235,470,860, C>G on the plus strand (G>C on the coding strand, the complement: B3GALNT2 is on the minus strand). VCF-style: chr1-235470860-C-G. GRCh37 (hg19) VCF-style: chr1-235634174-C-G.
Other names: c.875G>C, p.Arg292Thr (NM_001277155.3); short protein forms R251T, R292T.
Identifiers: ClinVar variation 2109632 (VCV002109632.4), dbSNP rs2527230323, ClinGen allele CA344919839.

ClinVar aggregate classification (germline): Uncertain significance (1 of 4 stars; one submission).

Conditions:
Muscular dystrophy-dystroglycanopathy (congenital with brain and eye anomalies), type a, 11 (MDDGA11). Also called: WALKER-WARBURG SYNDROME OR MUSCLE-EYE-BRAIN DISEASE, B3GALNT2-RELATED; Muscular dystrophy-dystroglycanopathy (congenital with brain and eye anomalies, type A, 11; Congenital muscular dystrophy-dystroglycanopathy with brain and eye anomalies, type A11. Identifiers: Orphanet 588, Orphanet 899, MedGen C3554638, MONDO:0014071, OMIM 615181.

Submission:

Labcorp Genetics (formerly Invitae), Labcorp
Classification: Uncertain significance for Muscular dystrophy-dystroglycanopathy (congenital with brain and eye anomalies), type a, 11. Last evaluated: 2023-04-14. Review status: criteria provided, single submitter. Criteria: Invitae Variant Classification Sherloc (09022015). Collection method: clinical testing. Allele origin: germline.
Comment: ClinVar contains an entry for this variant (Variation ID: 2109632). This variant has not been reported in the literature in individuals affected with B3GALNT2-related conditions. This variant is not present in population databases (gnomAD no frequency). This sequence change replaces arginine, which is basic and polar, with threonine, which is neutral and polar, at codon 251 of the B3GALNT2 protein (p.Arg251Thr). Advanced modeling of protein sequence and biophysical properties (such as structural, functional, and spatial information, amino acid conservation, physicochemical variation, residue mobility, and thermodynamic stability) performed at Invitae indicates that this missense variant is not expected to disrupt B3GALNT2 protein function. In summary, the available evidence is currently insufficient to determine the role of this variant in disease. Therefore, it has been classified as a Variant of Uncertain Significance.